The following is an entry in ClinVar:

NM_006514.4(SCN10A):c.2240C>T (p.Ala747Val)

Gene: SCN10A (sodium voltage-gated channel alpha subunit 10; minus strand). Cytogenetic location: 3p22.2.
Variant type: single nucleotide variant.
Coding change: c.2240C>T on transcript NM_006514.4 (MANE Select); coding-DNA position 2240, C replaced by T.
Protein change: p.Ala747Val; replaces alanine 747 with valine.
Molecular consequence: missense variant.
Genome position (GRCh38, 1-based): chr3:38,739,555, G>A on the plus strand (C>T on the coding strand, the complement: SCN10A is on the minus strand). VCF-style: chr3-38739555-G-A. GRCh37 (hg19) VCF-style: chr3-38781046-G-A.
Other names: c.2240C>T, p.Ala747Val (NM_001293306.2); c.1946C>T, p.Ala649Val (NM_001293307.2); short protein forms A747V, A649V.
Identifiers: ClinVar variation 1361945 (VCV001361945.8), dbSNP rs2063607705, ClinGen allele CA352164186.

ClinVar aggregate classification (germline): Uncertain significance (1 of 4 stars; one submission).

Conditions:
Brugada syndrome. Also called: Sudden Unexplained Death Syndrome; Sudden Unexplained Nocturnal Death Syndrome (SUNDS); Sudden unexplained nocturnal death syndrome; Sudden unexpected nocturnal death syndrome. Identifiers: Orphanet 130, MedGen C1142166, MONDO:0015263.

Allele frequency attached by ClinVar (database versions not stated): gnomAD exomes below 0.00001; TOPMed below 0.00001.

Submission:

Labcorp Genetics (formerly Invitae), Labcorp
Classification: Uncertain significance for Brugada syndrome. Last evaluated: 2025-09-08. Review status: criteria provided, single submitter. Criteria: Invitae Variant Classification Sherloc (09022015). Collection method: clinical testing. Allele origin: germline.
Comment: This sequence change replaces alanine, which is neutral and non-polar, with valine, which is neutral and non-polar, at codon 747 of the SCN10A protein (p.Ala747Val). This variant is not present in population databases (gnomAD no frequency). This variant has not been reported in the literature in individuals affected with SCN10A-related conditions. ClinVar contains an entry for this variant (Variation ID: 1361945). Invitae Evidence Modeling of protein sequence and biophysical properties (such as structural, functional, and spatial information, amino acid conservation, physicochemical variation, residue mobility, and thermodynamic stability) indicates that this missense variant is not expected to disrupt SCN10A protein function with a negative predictive value of 80%. In summary, the available evidence is currently insufficient to determine the role of this variant in disease. Therefore, it has been classified as a Variant of Uncertain Significance.